The following is an entry in ClinVar:

ClinVar aggregate classification (germline): Uncertain significance. Review status: criteria provided, multiple submitters, no conflicts (2 of 4 stars). 2 submissions from 2 submitters: Uncertain significance (2). Last evaluated 2024-10-18.

Conditions:
Neurodevelopmental disorder with hypotonia, stereotypic hand movements, and impaired language. Also called: Intellectual disability, autosomal dominant 20. Identifiers: Orphanet 228384, Orphanet 664410, MedGen C3150700, MONDO:0013266, OMIM 613443.

gnomAD v4.1: 2 of 1,614,008 alleles (0.00012%); highest among the groups gnomAD compares: Non-Finnish European, 0.000085%; no homozygotes.

Submissions (2):

GeneDx
Classification: Uncertain significance. Last evaluated: 2024-10-18. Review status: criteria provided, single submitter. Criteria: GeneDx Variant Classification Process June 2021. Collection method: clinical testing. Allele origin: germline. Affected: yes.
Comment: Not observed at significant frequency in large population cohorts (gnomAD); In silico analysis indicates that this missense variant does not alter protein structure/function; Has not been previously published as pathogenic or benign to our knowledge

Labcorp Genetics (formerly Invitae), Labcorp
Classification: Uncertain significance for Neurodevelopmental disorder with hypotonia, stereotypic hand movements, and impaired language. Last evaluated: 2024-07-25. Review status: criteria provided, single submitter. Criteria: Invitae Variant Classification Sherloc (09022015). Collection method: clinical testing. Allele origin: germline.
Comment: This sequence change replaces serine, which is neutral and polar, with asparagine, which is neutral and polar, at codon 428 of the MEF2C protein (p.Ser428Asn). This variant is not present in population databases (gnomAD no frequency). This variant has not been reported in the literature in individuals affected with MEF2C-related conditions. Advanced modeling of protein sequence and biophysical properties (such as structural, functional, and spatial information, amino acid conservation, physicochemical variation, residue mobility, and thermodynamic stability) has been performed at Invitae for this missense variant, however the output from this modeling did not meet the statistical confidence thresholds required to predict the impact of this variant on MEF2C protein function. In summary, the available evidence is currently insufficient to determine the role of this variant in disease. Therefore, it has been classified as a Variant of Uncertain Significance.

NM_002397.5(MEF2C):c.1283G>A (p.Ser428Asn)

Genes: MEF2C (myocyte enhancer factor 2C; minus strand), MEF2C-AS2 (MEF2C antisense RNA 2; plus strand). Cytogenetic location: 5q14.3.
Variant type: single nucleotide variant.
Coding change: c.1283G>A on transcript NM_002397.5 (MANE Select); coding-DNA position 1283, G replaced by A.
Protein change: p.Ser428Asn; replaces serine 428 with asparagine.
Molecular consequence: missense variant. On other transcripts: non-coding transcript variant (1), 3 prime UTR variant (9).
Genome position (GRCh38, 1-based): chr5:88,722,743, C>T on the plus strand (G>A on the coding strand, the complement: MEF2C is on the minus strand). VCF-style: chr5-88722743-C-T. GRCh37 (hg19) VCF-style: chr5-88018560-C-T.
Other names: c.1253G>A, p.Ser418Asn (NM_001131005.2); c.1313G>A, p.Ser438Asn (NM_001193347.1); c.1115G>A, p.Ser372Asn (NM_001193348.1); c.1043G>A, p.Ser348Asn (NM_001193349.3, NM_001364332.2); c.1283G>A, p.Ser428Asn (NM_001193350.2, NM_001364329.2, NM_001364330.2 and 1 more transcripts); c.1187G>A, p.Ser396Asn (NM_001364337.2, NM_001363581.2, NM_001364334.2 and 2 more transcripts); c.1217G>A, p.Ser406Asn (NM_001364338.2); c.1163G>A, p.Ser388Asn (NM_001364339.2, NM_001364340.2, NM_001364341.2 and 1 more transcripts); and 8 more; short protein forms S246N, S348N, S270N, S386N, S438N, S302N, S372N, S388N.
Identifiers: ClinVar variation 3680142 (VCV003680142.3).